The following is an entry in ClinVar:

NM_016553.5(NUP62):c.1323T>C (p.Asp441=)

Genes: IL4I1 (interleukin 4 induced 1; minus strand), NUP62 (nucleoporin 62; minus strand). Cytogenetic location: 19q13.33.
Variant type: single nucleotide variant.
Coding change: c.1323T>C on transcript NM_016553.5 (MANE Select); coding-DNA position 1323, T replaced by C.
Protein change: p.Asp441=; no amino-acid change (aspartic acid 441 retained).
Molecular consequence: synonymous variant. On other transcripts: intron variant (3).
Genome position (GRCh38, 1-based): chr19:49,908,485, A>G on the plus strand (T>C on the coding strand, the complement: NUP62 is on the minus strand). VCF-style: chr19-49908485-A-G. GRCh37 (hg19) VCF-style: chr19-50411742-A-G.
Other names: c.1323T>C, p.Asp441= (NM_001193357.2, NM_012346.5, NM_153718.4 and 1 more transcripts); c.-227-4164T>C (NM_001258017.2, NM_172374.3); c.-285-4164T>C (NM_001258018.2).
Identifiers: ClinVar variation 129846 (VCV000129846.20), dbSNP rs892028, ClinGen allele CA154176.

ClinVar aggregate classification (germline): Benign. Review status: criteria provided, multiple submitters, no conflicts (2 of 4 stars). 5 submissions from 5 submitters: Benign (4). 1 of the submissions does not count toward it. Last evaluated 2026-02-03.

Conditions:
Infantile bilateral striatal necrosis. Identifiers: Orphanet 1576, MedGen C0795996, MONDO:0015518.

Allele frequency attached by ClinVar (database versions not stated): ExAC 0.94442; TOPMed 0.95352; ESP Exome Variant Server 0.94726; gnomAD 0.95154 and 0.95206; gnomAD exomes 0.94413; 1000 Genomes Project 30x 0.97189; 1000 Genomes Project 0.97404.
gnomAD v4.1: 1,504,438 of 1,614,114 alleles (93%); highest among the groups gnomAD compares: East Asian, 100%; 701,542 homozygotes.

Submissions (5):

Labcorp Genetics (formerly Invitae), Labcorp
Classification: Benign. Last evaluated: 2026-02-03. Review status: criteria provided, single submitter. Criteria: Invitae Variant Classification Sherloc (09022015). Collection method: clinical testing. Allele origin: germline.

Unidad de Genómica Garrahan, Hospital de Pediatría Garrahan
Classification: Benign. Last evaluated: 2024-07-31. Review status: criteria provided, single submitter. Criteria: ACMG Guidelines, 2015. Collection method: clinical testing. Allele origin: germline. Affected: no. Observed: 91 variant alleles.
Comment: This variant is classified as Benign based on local population frequency. This variant was detected in 98% of patients studied in a panel designed for Epileptic and Developmental Encephalopathy, Progressive Myoclonus Epilepsy and Abnormal Movements and Neurodegeneration with brain iron accumulation. Number of patients: 91. Only high quality variants are reported.

Genome-Nilou Lab
Classification: Benign for Familial infantile bilateral striatal necrosis. Last evaluated: 2021-09-05. Review status: criteria provided, single submitter. Criteria: ACMG Guidelines, 2015. Collection method: clinical testing. Allele origin: germline. Affected: no.

Breakthrough Genomics
Classification: Benign. Review status: criteria provided, single submitter. Criteria: ACMG Guidelines, 2015. Collection method: not provided. Allele origin: germline. Inheritance: Autosomal recessive inheritance. Affected: yes.

Genetic Services Laboratory, University of Chicago
Classification: Likely benign for AllHighlyPenetrant. Review status: no assertion criteria provided. Collection method: clinical testing. Allele origin: germline. Inheritance: Autosomal recessive inheritance. Not counted in ClinVar's aggregate classification.
Comment: Likely benign based on allele frequency in 1000 Genomes Project or ESP global frequency and its presence in a patient with a rare or unrelated disease phenotype. NOT Sanger confirmed.